The following is an entry in ClinVar:

NM_022132.5(MCCC2):c.1151del

Gene: MCCC2 (methylcrotonyl-CoA carboxylase subunit 2; plus strand). Cytogenetic location: 5q13.2.
Variant type: Deletion.
Coding change: c.1151del on transcript NM_022132.5 (MANE Select); coding-DNA position 1151, one base deleted (G; older notation c.1151delG).
Molecular consequence: splice acceptor variant.
Genome position (GRCh38, 1-based): chr5:71,646,212, G deleted; the last of 3 consecutive G bases (chr5:71,646,210-71,646,212); deleting any one gives the same sequence. VCF-style (leftmost placement, unchanged base first): chr5-71646209-AG-A. GRCh37 (hg19) VCF-style: chr5-70942036-AG-A.
Identifiers: ClinVar variation 3065205 (VCV003065205.3), dbSNP rs1747269311, ClinGen allele CA1077348841.

ClinVar aggregate classification (germline): Likely pathogenic. Review status: criteria provided, multiple submitters, no conflicts (2 of 4 stars). 3 submissions from 3 submitters: Likely pathogenic (3). Last evaluated 2025-12-03.

Conditions:
MCCC2-related disorder. Also called: MCCC2-related condition.
3-methylcrotonyl-CoA carboxylase 2 deficiency. Also called: 3 alpha methylcrotonyl-CoA carboxylase 2 deficiency; 3 alpha methylcrotonylglycinuria 2; MCC 2 deficiency; Methylcrotonylglycinuria type 2; METHYLCROTONYLGLYCINURIA, TYPE II. Identifiers: Orphanet 6, MedGen C1859499, MONDO:0008862, OMIM 210210.

Submissions (3):

Myriad Genetics, Inc.
Classification: Likely pathogenic for 3-methylcrotonyl-CoA carboxylase 2 deficiency. Last evaluated: 2025-12-03. Review status: criteria provided, single submitter. Criteria: Myriad Autosomal Dominant, Autosomal Recessive and X-Linked Classification Criteria (2023). Collection method: clinical testing. Allele origin: unknown.
Comment: NM_022132.4(MCCC2):c.1151delG(G384Vfs*54) is a frameshift variant classified as likely pathogenic in the context of 3-methylcrotonyl-CoA carboxylase deficiency, MCCC2-related. G384Vfs*54 has been observed in a case with relevant disease (PMID: 39484073). Relevant functional assessments of this variant are not available in the literature. G384Vfs*54 has not been observed in referenced population frequency databases. In summary, NM_022132.4(MCCC2):c.1151delG(G384Vfs*54) is a frameshift variant in a gene where loss of function is a known mechanism of disease, is predicted to disrupt protein function, and has been observed more frequently in cases with the relevant disease than in healthy populations. Please note: this variant was assessed in the context of healthy population screening.

Genomic Medicine Center of Excellence, King Faisal Specialist Hospital and Research Centre
Classification: Likely pathogenic for 3-methylcrotonyl-CoA carboxylase 2 deficiency. Last evaluated: 2024-03-26. Review status: criteria provided, single submitter. Criteria: ACMG Guidelines, 2015. Collection method: clinical testing. Allele origin: germline.

Blueprint Genetics
Classification: Likely pathogenic for MCCC2-related disorders. Last evaluated: 2017-09-29. Review status: criteria provided, single submitter. Criteria: ACMG Guidelines, 2015. Collection method: clinical testing. Allele origin: germline. Affected: yes. Observed: 1 variant allele.

Literature cited by the submitters: PubMed 39484073 (cited by Myriad Genetics, Inc.).